The following is an entry in ClinVar:

ClinVar aggregate classification (germline): Uncertain significance (1 of 4 stars; one submission).

Conditions:
EGFR-related lung cancer (EGFR). Identifiers: MedGen CN130014.

Allele frequency attached by ClinVar (database versions not stated): gnomAD 0.00001.
gnomAD v4.1: 1 of 1,614,128 alleles (0.000062%); highest among the groups gnomAD compares: Non-Finnish European, 0.000085%; no homozygotes.

Submission:

Labcorp Genetics (formerly Invitae), Labcorp
Classification: Uncertain significance for EGFR-related lung cancer. Last evaluated: 2022-09-03. Review status: criteria provided, single submitter. Criteria: Invitae Variant Classification Sherloc (09022015). Collection method: clinical testing. Allele origin: germline.
Comment: Algorithms developed to predict the effect of missense changes on protein structure and function are either unavailable or do not agree on the potential impact of this missense change (SIFT: "Tolerated"; PolyPhen-2: "Possibly Damaging"; Align-GVGD: "Class C0"). This sequence change replaces arginine, which is basic and polar, with glycine, which is neutral and non-polar, at codon 1052 of the EGFR protein (p.Arg1052Gly). This variant is not present in population databases (gnomAD no frequency). This variant has not been reported in the literature in individuals affected with EGFR-related conditions. In summary, the available evidence is currently insufficient to determine the role of this variant in disease. Therefore, it has been classified as a Variant of Uncertain Significance.

NM_005228.5(EGFR):c.3154A>G (p.Arg1052Gly)

Gene: EGFR (epidermal growth factor receptor; plus strand). Cytogenetic location: 7p11.2.
Variant type: single nucleotide variant.
Coding change: c.3154A>G on transcript NM_005228.5 (MANE Select); coding-DNA position 3154, A replaced by G.
Protein change: p.Arg1052Gly; replaces arginine 1052 with glycine.
Molecular consequence: missense variant.
Genome position (GRCh38, 1-based): chr7:55,201,774, A>G. VCF-style: chr7-55201774-A-G. GRCh37 (hg19) VCF-style: chr7-55269467-A-G.
Other names: c.3019A>G, p.Arg1007Gly (NM_001346897.2, NM_001346899.2); c.3154A>G, p.Arg1052Gly (NM_001346898.2); c.2995A>G, p.Arg999Gly (NM_001346900.2); c.2353A>G, p.Arg785Gly (NM_001346941.2); short protein forms R1007G, R1052G, R785G, R999G.
Identifiers: ClinVar variation 2115782 (VCV002115782.4), dbSNP rs1787860375, ClinGen allele CA367583021.